The following is an entry in ClinVar:

ClinVar aggregate classification (germline): Uncertain significance. Review status: criteria provided, multiple submitters, no conflicts (2 of 4 stars). 2 submissions from 2 submitters: Uncertain significance (2). Last evaluated 2025-07-15.

Conditions:
Autosomal recessive limb-girdle muscular dystrophy type 2W (MDRCMTT). Also called: Muscular dystrophy, limb-girdle, type 2W; Muscular dystrophy, autosomal recessive, with cardiomyopathy and triangular tongue. Identifiers: MedGen C4225192, MONDO:0014788, OMIM 616827.

Allele frequency attached by ClinVar (database versions not stated): gnomAD exomes 0.00001; ESP Exome Variant Server 0.00008; ExAC 0.00011; 1000 Genomes Project 30x 0.00016.

Submissions (2):

Ambry Genetics
Classification: Uncertain significance. Last evaluated: 2025-07-15. Review status: criteria provided, single submitter. Criteria: Ambry Variant Classification Scheme 2023. Collection method: clinical testing. Allele origin: germline.

Labcorp Genetics (formerly Invitae), Labcorp
Classification: Uncertain significance for Autosomal recessive limb-girdle muscular dystrophy type 2W. Last evaluated: 2023-02-03. Review status: criteria provided, single submitter. Criteria: Invitae Variant Classification Sherloc (09022015). Collection method: clinical testing. Allele origin: germline.
Comment: In summary, the available evidence is currently insufficient to determine the role of this variant in disease. Therefore, it has been classified as a Variant of Uncertain Significance. Advanced modeling of protein sequence and biophysical properties (such as structural, functional, and spatial information, amino acid conservation, physicochemical variation, residue mobility, and thermodynamic stability) performed at Invitae indicates that this missense variant is not expected to disrupt LIMS2 protein function. This variant has not been reported in the literature in individuals affected with LIMS2-related conditions. The frequency data for this variant in the population databases is considered unreliable, as metrics indicate poor data quality at this position in the gnomAD database. This sequence change replaces methionine, which is neutral and non-polar, with valine, which is neutral and non-polar, at codon 175 of the LIMS2 protein (p.Met175Val).

NM_001161403.3(LIMS2):c.457A>G (p.Met153Val)

Gene: LIMS2 (LIM zinc finger domain containing 2; minus strand). Cytogenetic location: 2q14.3.
Variant type: single nucleotide variant.
Coding change: c.457A>G on transcript NM_001161403.3 (MANE Select); coding-DNA position 457, A replaced by G.
Protein change: p.Met153Val; replaces methionine 153 with valine.
Molecular consequence: missense variant. On other transcripts: initiator codon variant (1).
Genome position (GRCh38, 1-based): chr2:127,642,975, T>C on the plus strand (A>G on the coding strand, the complement: LIMS2 is on the minus strand). VCF-style: chr2-127642975-T-C. GRCh37 (hg19) VCF-style: chr2-128400550-T-C.
Other names: c.523A>G, p.Met175Val (NM_001136037.4); c.442A>G, p.Met148Val (NM_001161404.2); c.1A>G, p.Met1Val (NM_001161405.1, NM_001256542.2); c.529A>G, p.Met177Val (NM_017980.5); c.529A>G (NM_017980.4); short protein forms M153V, M175V, M1V, M148V, M177V.
Identifiers: ClinVar variation 2872837 (VCV002872837.4), dbSNP rs373569274, ClinGen allele CA1863049.